The following is an entry in ClinVar:

ClinVar aggregate classification (germline): Uncertain significance. Review status: criteria provided, multiple submitters, no conflicts (2 of 4 stars). 2 submissions from 2 submitters: Uncertain significance (2). Last evaluated 2023-07-17.

Allele frequency attached by ClinVar (database versions not stated): ExAC 0.00001; gnomAD 0.00001; TOPMed 0.00001.

Submissions (2):

Labcorp Genetics (formerly Invitae), Labcorp
Classification: Uncertain significance. Last evaluated: 2023-07-17. Review status: criteria provided, single submitter. Criteria: Invitae Variant Classification Sherloc (09022015). Collection method: clinical testing. Allele origin: germline.
Comment: In summary, the available evidence is currently insufficient to determine the role of this variant in disease. Therefore, it has been classified as a Variant of Uncertain Significance. Experimental studies and prediction algorithms are not available or were not evaluated, and the functional significance of this variant is currently unknown. This variant has not been reported in the literature in individuals affected with FDX2-related conditions. This variant is present in population databases (rs750708672, gnomAD 0.002%). This sequence change replaces leucine, which is neutral and non-polar, with phenylalanine, which is neutral and non-polar, at codon 94 of the FDX2 protein (p.Leu94Phe).

Mayo Clinic Laboratories, Mayo Clinic
Classification: Uncertain significance. Last evaluated: 2023-03-17. Review status: criteria provided, single submitter. Criteria: ACMG Guidelines, 2015. Collection method: clinical testing. Allele origin: germline. Observed: 1 variant allele.

NM_001397406.1(FDX2):c.271C>T (p.Leu91Phe)

Genes: FDX2-ZGLP1 (FDX2-ZGLP1 readthrough (NMD candidate); minus strand), FDX2 (ferredoxin 2; minus strand). Cytogenetic location: 19p13.2.
Variant type: single nucleotide variant.
Coding change: c.271C>T on transcript NM_001397406.1 (MANE Select); coding-DNA position 271, C replaced by T.
Protein change: p.Leu91Phe; replaces leucine 91 with phenylalanine.
Molecular consequence: missense variant. On other transcripts: non-coding transcript variant (2).
Genome position (GRCh38, 1-based): chr19:10,315,422, G>A on the plus strand (C>T on the coding strand, the complement: FDX2 is on the minus strand). VCF-style: chr19-10315422-G-A. GRCh37 (hg19) VCF-style: chr19-10426098-G-A.
Other names: p.Leu94Phe; c.280C>T, p.Leu94Phe (NM_001031734.4); short protein forms L91F, L94F.
Identifiers: ClinVar variation 2683477 (VCV002683477.4), dbSNP rs750708672, ClinGen allele CA9191259.
Genomic context (GRCh38, chr19:10,315,422, plus strand): 5'-TAATTCCCTCTGCCCGGTTCCTACCTTCCAGGTCCACCCCGTGGCGCTGGGCCAGGTGAA[G>A]AACATTGTCCCCGACTCTGCCACTCACTGGGATCCGCTGGCCTGAGCGGTCTACGAACAC-3'
Protein context (NP_001384335.1, residues 81-101): PVSGRVGDNV[Leu91Phe]HLAQRHGVDL